The following is an entry in ClinVar:

ClinVar aggregate classification (germline): Uncertain significance (1 of 4 stars; one submission).

Submission:

CeGaT Center for Human Genetics Tuebingen
Classification: Uncertain significance. Last evaluated: 2024-01-01. Review status: criteria provided, single submitter. Criteria: CeGaT Center For Human Genetics Tuebingen Variant Classification Criteria Version 2. Collection method: clinical testing. Allele origin: germline. Affected: yes. Observed: 1 variant allele.
Comment: RYR3: PM2

NM_001036.6(RYR3):c.7589C>T (p.Ala2530Val)

Gene: RYR3 (ryanodine receptor 3; plus strand). Cytogenetic location: 15q14.
Variant type: single nucleotide variant.
Coding change: c.7589C>T on transcript NM_001036.6 (MANE Select); coding-DNA position 7589, C replaced by T.
Protein change: p.Ala2530Val; replaces alanine 2530 with valine.
Molecular consequence: missense variant.
Genome position (GRCh38, 1-based): chr15:33,738,523, C>T. VCF-style: chr15-33738523-C-T. GRCh37 (hg19) VCF-style: chr15-34030724-C-T.
Other names: c.7589C>T, p.Ala2530Val (NM_001243996.4); short protein forms A2530V.
Identifiers: ClinVar variation 3026918 (VCV003026918.22), dbSNP rs2505953694, ClinGen allele CA391580276.
Genomic context (GRCh38, chr15:33,738,523, plus strand): 5'-ACTATGAACAGTGTTGGAAGTATTACTGCCTGCCTTCAGGATGGGGGAGCTACGGGCTAG[C>T]TGTGGAAGAAGAGCTGCACCTAACGGAGAAGCTTTTCTGGGGGATTTTTGACTCGCTCTC-3'
Protein context (NP_001027.3, residues 2520-2540): LPSGWGSYGL[Ala2530Val]VEEELHLTEK